The following is an entry in ClinVar:

NM_020822.3(KCNT1):c.1770-3C>T

Gene: KCNT1 (potassium sodium-activated channel subfamily T member 1; plus strand). Cytogenetic location: 9q34.3.
Variant type: single nucleotide variant.
Coding change: c.1770-3C>T on transcript NM_020822.3 (MANE Select); 3 bases into the intron before coding-DNA position 1770, C replaced by T.
Molecular consequence: intron variant.
Genome position (GRCh38, 1-based): chr9:135,770,854, C>T. VCF-style: chr9-135770854-C-T. GRCh37 (hg19) VCF-style: chr9-138662700-C-T.
Other names: c.1635-3C>T (NM_001272003.2).
Identifiers: ClinVar variation 2948132 (VCV002948132.3), dbSNP rs1832704918, ClinGen allele CA1883874450.

ClinVar aggregate classification (germline): Uncertain significance (1 of 4 stars; one submission).

Conditions:
Autosomal dominant nocturnal frontal lobe epilepsy 5. Also called: Epilepsy, nocturnal frontal lobe, 5; CILIARY DYSKINESIA, PRIMARY, 28, WITHOUT SITUS INVERSUS; CILIARY DYSKINESIA, PRIMARY, 28, WITH SITUS INVERSUS; KCNT1-Related Epilepsy. Identifiers: Orphanet 98784, MedGen C3554306, MONDO:0014002, OMIM 615005.
Developmental and epileptic encephalopathy, 14 (DEE14). Also called: Early infantile epileptic encephalopathy 14. Identifiers: Orphanet 293181, MedGen C3554195, MONDO:0013989, OMIM 614959.

gnomAD v4.1: 1 of 1,563,676 alleles (0.000064%); highest among the groups gnomAD compares: Non-Finnish European, 0.000087%; no homozygotes.

Submission:

Labcorp Genetics (formerly Invitae), Labcorp
Classification: Uncertain significance for Autosomal dominant nocturnal frontal lobe epilepsy 5; Developmental and epileptic encephalopathy, 14. Last evaluated: 2023-05-22. Review status: criteria provided, single submitter. Criteria: Invitae Variant Classification Sherloc (09022015). Collection method: clinical testing. Allele origin: germline.
Comment: In summary, the available evidence is currently insufficient to determine the role of this variant in disease. Therefore, it has been classified as a Variant of Uncertain Significance. Variants that disrupt the consensus splice site are a relatively common cause of aberrant splicing (PMID: 17576681, 9536098). Algorithms developed to predict the effect of sequence changes on RNA splicing suggest that this variant is not likely to affect RNA splicing. This variant has not been reported in the literature in individuals affected with KCNT1-related conditions. This variant is not present in population databases (gnomAD no frequency). This sequence change falls in intron 17 of the KCNT1 gene. It does not directly change the encoded amino acid sequence of the KCNT1 protein. It affects a nucleotide within the consensus splice site.

Literature cited by the submitters: PubMed 17576681; PubMed 9536098.